The following is an entry in ClinVar:

NM_139076.3(ABRAXAS1):c.364C>T (p.Gln122Ter)

Gene: ABRAXAS1 (abraxas 1, BRCA1 A complex subunit; minus strand). Cytogenetic location: 4q21.23.
Variant type: single nucleotide variant.
Coding change: c.364C>T on transcript NM_139076.3 (MANE Select); coding-DNA position 364, C replaced by T.
Protein change: p.Gln122Ter; replaces glutamine 122 with a stop codon.
Molecular consequence: nonsense.
Genome position (GRCh38, 1-based): chr4:83,470,315, G>A on the plus strand (C>T on the coding strand, the complement: ABRAXAS1 is on the minus strand). VCF-style: chr4-83470315-G-A. GRCh37 (hg19) VCF-style: chr4-84391468-G-A.
Other names: c.37C>T, p.Gln13Ter (NM_001345962.2); short protein forms Q122*, Q13*.
Identifiers: ClinVar variation 128221 (VCV000128221.49), dbSNP rs137876115, ClinGen allele CA288645.
Genomic context (GRCh38, chr4:83,470,315, plus strand): 5'-CTGTTATTATACTTGGTGTTAATAGCAGAAAAACAAGGTCTTGGTTTGAAAAATGCTCCT[G>A]CAAGTTTTTGTGAAGCAGCCTCTCTCTAAACGTCATGATCTGATCTGAATGACGACGGAA-3'

ClinVar aggregate classification (germline): Uncertain significance. Review status: criteria provided, multiple submitters, no conflicts (2 of 4 stars). 4 submissions from 4 submitters: Uncertain significance (4). Last evaluated 2025-10-01.

Allele frequency attached by ClinVar (database versions not stated): TOPMed 0.00002.
gnomAD v4.1: 82 of 1,613,710 alleles (0.0051%); highest among the groups gnomAD compares: Non-Finnish European, 0.0069%; no homozygotes.

Submissions (4):

Labcorp Genetics (formerly Invitae), Labcorp
Classification: Uncertain significance. Last evaluated: 2025-10-01. Review status: criteria provided, single submitter. Criteria: Invitae Variant Classification Sherloc (09022015). Collection method: clinical testing. Allele origin: germline.
Comment: This sequence change creates a premature translational stop signal (p.Gln122*) in the ABRAXAS1 gene. It is expected to result in an absent or disrupted protein product. However, the current clinical and genetic evidence is not sufficient to establish whether loss-of-function variants in ABRAXAS1 cause disease. This variant is present in population databases (rs137876115, gnomAD 0.007%). This premature translational stop signal has been observed in individual(s) with head and neck cancer (PMID: 31263571). ClinVar contains an entry for this variant (Variation ID: 128221). Algorithms developed to predict the effect of sequence changes on RNA splicing suggest that this variant may disrupt the consensus splice site. In summary, the available evidence is currently insufficient to determine the role of this variant in disease. Therefore, it has been classified as a Variant of Uncertain Significance.

Center for Genomic Medicine, Rigshospitalet, Copenhagen University Hospital
Classification: Uncertain significance. Last evaluated: 2025-03-04. Review status: criteria provided, single submitter. Criteria: ACMG Guidelines, 2015. Collection method: clinical testing. Allele origin: germline.

CeGaT Center for Human Genetics Tuebingen
Classification: Uncertain significance. Last evaluated: 2021-08-01. Review status: criteria provided, single submitter. Criteria: CeGaT Center For Human Genetics Tuebingen Variant Classification Criteria Version 2. Collection method: clinical testing. Allele origin: germline. Affected: yes. Observed: 1 variant allele.

Women's Health and Genetics/Laboratory Corporation of America, LabCorp
Classification: Uncertain significance. Last evaluated: 2020-07-02. Review status: criteria provided, single submitter. Criteria: LabCorp Variant Classification Summary - May 2015. Collection method: clinical testing. Allele origin: germline.
Comment: Variant summary: FAM175A c.364C>T (p.Gln122X) results in a premature termination codon, predicted to cause a truncation of the encoded protein or absence of the protein due to nonsense mediated decay, which are commonly known mechanisms for disease. The variant allele was found at a frequency of 3.2e-05 in 251138 control chromosomes, predominantly at a frequency of 6.2e-05 within the Non-Finnish European subpopulation in the gnomAD database. c.364C>T has been reported in the literature in individuals affected with advanced head and neck cancer (Bertelsen_2019). To our knowledge, no experimental evidence demonstrating an impact on protein function has been reported. One clinical diagnostic laboratory has submitted clinical-significance assessments for this variant to ClinVar after 2014 without evidence for independent evaluation and classified the variant as uncertain significance. Based on the evidence outlined above, the variant was classified as VUS-possibly pathogenic.

Literature cited by the submitters: PubMed 31263571 (cited by 3 submitters); PubMed 25063119 (cited by Center for Genomic Medicine, Rigshospitalet, Copenhagen University Hospital); PubMed 37198153 (cited by Center for Genomic Medicine, Rigshospitalet, Copenhagen University Hospital).